The following is an entry in ClinVar:

NM_022437.3(ABCG8):c.1499_1500insTCTCGGGGGA (p.Glu500fs)

Gene: ABCG8 (ATP binding cassette subfamily G member 8; plus strand). Cytogenetic location: 2p21.
Variant type: Microsatellite.
Coding change: c.1499_1500insTCTCGGGGGA on transcript NM_022437.3 (MANE Select); coding-DNA positions 1499 to 1500, TCTCGGGGGA inserted.
Protein change: p.Glu500fs; shifts the reading frame from glutamic acid 500.
Molecular consequence: frameshift variant.
Genome position: GRCh38 VCF-style: chr2-43875151-C-CGGGGATCTCG. GRCh37 (hg19) VCF-style: chr2-44102290-C-CGGGGATCTCG.
Other names: c.1496_1497insTCTCGGGGGA, p.Glu499fs (NM_001357321.2); short protein forms E500fs, E499fs.
Identifiers: ClinVar variation 4995732 (VCV004995732.1).
Genomic context (GRCh38, chr2:43,875,151, plus strand): 5'-AATAATGGCAGTGAAGGTGCTGGCTTCATATCCTTGCAAGGGCTGTTCTTTGCAGATCCT[C>CGGGGATCTCG]GGGGAGCTTCCGGAGCACTGTGCCTACATCATCATCTACGGGATGCCCACCTACTGGCTG-3'

ClinVar aggregate classification (germline): Pathogenic (1 of 4 stars; one submission).

Conditions:
ABCG8-related disorder. Also called: ABCG8-related condition.

Submission:

PreventionGenetics, part of Exact Sciences
Classification: Pathogenic for ABCG8-related condition. Last evaluated: 2026-09-04. Review status: criteria provided, single submitter. Criteria: ACMG Guidelines, 2015. Collection method: clinical testing. Allele origin: germline.
Comment: The ABCG8 c.1499_1500insTCTCGGGGGA variant is predicted to result in a frameshift and premature protein termination (p.Glu500Aspfs*105). This variant, also referred to as c.1494_1495insGGGGATCTCG, has been reported in the compound heterozygous state in individuals with sitosterolemia (Hong et al. 2019. PubMed ID: 30968598; Supplementary Table S4, Xia et al. 2021. PubMed ID: 34969652). This variant has not been reported in a large population database (gnomAD), indicating this variant is rare. Frameshift variants in ABCG8 are expected to be pathogenic. This variant is interpreted as pathogenic.